The following is an entry in ClinVar:

ClinVar aggregate classification (germline): Pathogenic. Review status: reviewed by expert panel (3 of 4 stars). 2 submissions from 2 submitters: Pathogenic (1). 1 of the submissions does not count toward it. Last evaluated 2017-12-15.

Conditions:
Breast-ovarian cancer, familial, susceptibility to, 2 (BROVCA2). Also called: BRCA2 Hereditary Breast and Ovarian Cancer. Identifiers: Orphanet 145, MedGen C2675520, MONDO:0012933, OMIM 612555. Disease mechanism: loss of function.

Submissions (2):

Evidence-based Network for the Interpretation of Germline Mutant Alleles (ENIGMA)
Classification: Pathogenic for Breast-ovarian cancer, familial, susceptibility to, 2. Last evaluated: 2017-12-15. Review status: reviewed by expert panel. Criteria: ENIGMA BRCA1/2 Classification Criteria (2017-06-29). Collection method: curation. Allele origin: germline. Study: ENIGMA.
Comment: Variant allele predicted to encode a truncated non-functional protein.

GeneDx
Classification: Pathogenic. Last evaluated: 2015-04-14. Review status: criteria provided, single submitter. Criteria: GeneDx Variant Classification (06012015). Collection method: clinical testing. Allele origin: germline. Affected: yes. Not counted in ClinVar's aggregate classification.
Comment: This pathogenic variant is denoted BRCA2 c.4226T>A at the cDNA level and p.Leu1409Ter (L1409X) at the protein level. Using alternate nomenclature, This variant would be defined as BRCA2 4454T>A. The substitution creates a nonsense variant, which changes a Leucine to a premature stop codon (TTA>TAA), and is predicted to cause loss of normal protein function through either protein truncation or nonsense-mediated mRNA decay. Although this variant has not, to our knowledge, been reported in the literature, it is considered pathogenic.

NM_000059.4(BRCA2):c.4226T>A (p.Leu1409Ter)

Gene: BRCA2 (BRCA2 DNA repair associated; plus strand). Cytogenetic location: 13q13.1.
Variant type: single nucleotide variant.
Coding change: c.4226T>A on transcript NM_000059.4 (MANE Select); coding-DNA position 4226, T replaced by A.
Protein change: p.Leu1409Ter; replaces leucine 1409 with a stop codon.
Molecular consequence: nonsense.
Genome position (GRCh38, 1-based): chr13:32,338,581, T>A. VCF-style: chr13-32338581-T-A. GRCh37 (hg19) VCF-style: chr13-32912718-T-A.
Other names: short protein forms L1409*.
Identifiers: ClinVar variation 379540 (VCV000379540.2), dbSNP rs1057520636, ClinGen allele CA16606423.